The following is an entry in ClinVar:

ClinVar aggregate classification (germline): Conflicting classifications of pathogenicity. Review status: criteria provided, conflicting classifications (1 of 4 stars). 2 submissions from 2 submitters: Pathogenic (1); Uncertain significance (1). Last evaluated 2024-09-07.

Conditions:
3-methylglutaconic aciduria with deafness, encephalopathy, and Leigh-like syndrome (MEGDEL). Also called: SERAC1 Deficiency; 3-METHYLGLUTACONIC ACIDURIA, TYPE VI; MEGDEL syndrome. Identifiers: Orphanet 352328, MedGen C4040739, MONDO:0013875, OMIM 614739.
SERAC1-related disorder. Also called: SERAC1-related disorders; SERAC1-related condition.

Allele frequency attached by ClinVar (database versions not stated): ExAC 0.00002; gnomAD exomes 0.00003; gnomAD 0.00005.
gnomAD v4.1: 46 of 1,610,756 alleles (0.0029%); highest among the groups gnomAD compares: Non-Finnish European, 0.0034%; no homozygotes.

Submissions (2):

Blueprint Genetics
Classification: Pathogenic for SERAC1-related disorders. Last evaluated: 2024-09-07. Review status: criteria provided, single submitter. Criteria: ACMG Guidelines, 2015. Collection method: clinical testing. Allele origin: germline. Affected: yes. Observed: 5 variant alleles.

Labcorp Genetics (formerly Invitae), Labcorp
Classification: Uncertain significance for 3-methylglutaconic aciduria with deafness, encephalopathy, and Leigh-like syndrome. Last evaluated: 2021-04-16. Review status: criteria provided, single submitter. Criteria: Invitae Variant Classification Sherloc (09022015). Collection method: clinical testing. Allele origin: germline.
Comment: This sequence change replaces alanine with threonine at codon 609 of the SERAC1 protein (p.Ala609Thr). The alanine residue is highly conserved and there is a small physicochemical difference between alanine and threonine. The frequency data for this variant in the population databases is considered unreliable, as metrics indicate poor data quality at this position in the ExAC database. This variant has not been reported in the literature in individuals with SERAC1-related conditions. Algorithms developed to predict the effect of missense changes on protein structure and function (SIFT, PolyPhen-2, Align-GVGD) all suggest that this variant is likely to be disruptive, but these predictions have not been confirmed by published functional studies and their clinical significance is uncertain. In summary, the available evidence is currently insufficient to determine the role of this variant in disease. Therefore, it has been classified as a Variant of Uncertain Significance.

NM_032861.4(SERAC1):c.1825G>A (p.Ala609Thr)

Gene: SERAC1 (serine active site containing 1; minus strand). Cytogenetic location: 6q25.3.
Variant type: single nucleotide variant.
Coding change: c.1825G>A on transcript NM_032861.4 (MANE Select); coding-DNA position 1825, G replaced by A.
Protein change: p.Ala609Thr; replaces alanine 609 with threonine.
Molecular consequence: missense variant.
Genome position (GRCh38, 1-based): chr6:158,113,452, C>T on the plus strand (G>A on the coding strand, the complement: SERAC1 is on the minus strand). VCF-style: chr6-158113452-C-T. GRCh37 (hg19) VCF-style: chr6-158534484-C-T.
Other names: short protein forms A609T.
Identifiers: ClinVar variation 2046017 (VCV002046017.2), dbSNP rs761224736, ClinGen allele CA4070931.